The following is an entry in ClinVar:

ClinVar aggregate classification (germline): Uncertain significance (1 of 4 stars; one submission).

Conditions:
Lafora disease. Also called: Epilepsy progressive myoclonic 2; Progressive Myoclonus Epilepsy, Lafora Type. Identifiers: Orphanet 501, MedGen C0751783, MONDO:0009697.

Submission:

Labcorp Genetics (formerly Invitae), Labcorp
Classification: Uncertain significance for Lafora disease. Last evaluated: 2021-03-29. Review status: criteria provided, single submitter. Criteria: Invitae Variant Classification Sherloc (09022015). Collection method: clinical testing. Allele origin: germline.
Comment: This sequence change replaces alanine with proline at codon 107 of the NHLRC1 protein (p.Ala107Pro). The alanine residue is highly conserved and there is a small physicochemical difference between alanine and proline. This variant is not present in population databases (ExAC no frequency). This variant has not been reported in the literature in individuals with NHLRC1-related conditions. Algorithms developed to predict the effect of missense changes on protein structure and function are either unavailable or do not agree on the potential impact of this missense change (SIFT: "Deleterious"; PolyPhen-2: "Benign"; Align-GVGD: "Class C0"). In summary, the available evidence is currently insufficient to determine the role of this variant in disease. Therefore, it has been classified as a Variant of Uncertain Significance.

NM_198586.3(NHLRC1):c.319G>C (p.Ala107Pro)

Gene: NHLRC1 (NHL repeat containing E3 ubiquitin protein ligase 1; minus strand). Cytogenetic location: 6p22.3.
Variant type: single nucleotide variant.
Coding change: c.319G>C on transcript NM_198586.3 (MANE Select); coding-DNA position 319, G replaced by C.
Protein change: p.Ala107Pro; replaces alanine 107 with proline.
Molecular consequence: missense variant.
Genome position (GRCh38, 1-based): chr6:18,122,288, C>G on the plus strand (G>C on the coding strand, the complement: NHLRC1 is on the minus strand). VCF-style: chr6-18122288-C-G. GRCh37 (hg19) VCF-style: chr6-18122519-C-G.
Other names: short protein forms A107P.
Identifiers: ClinVar variation 1461808 (VCV001461808.8), dbSNP rs796052755, ClinGen allele CA362828856.